The following is an entry in ClinVar:

NM_031935.3(HMCN1):c.5471-2A>G

Gene: HMCN1 (hemicentin 1; plus strand). Cytogenetic location: 1q31.1.
Variant type: single nucleotide variant.
Coding change: c.5471-2A>G on transcript NM_031935.3 (MANE Select); the canonical splice acceptor site of the intron before coding-DNA position 5471, A replaced by G.
Molecular consequence: splice acceptor variant.
Genome position (GRCh38, 1-based): chr1:186,019,539, A>G. VCF-style: chr1-186019539-A-G. GRCh37 (hg19) VCF-style: chr1-185988671-A-G.
Identifiers: ClinVar variation 4728311 (VCV004728311.1).

ClinVar aggregate classification (germline): Uncertain significance (1 of 4 stars; one submission).

gnomAD v4.1: 1 of 1,606,018 alleles (0.000062%); highest among the groups gnomAD compares: Admixed American, 0.0017%; no homozygotes.

Submission:

Labcorp Genetics (formerly Invitae), Labcorp
Classification: Uncertain significance. Last evaluated: 2025-10-01. Review status: criteria provided, single submitter. Criteria: Invitae Variant Classification Sherloc (09022015). Collection method: clinical testing. Allele origin: germline.
Comment: This sequence change affects an acceptor splice site in intron 34 of the HMCN1 gene. It is expected to disrupt RNA splicing. Variants that disrupt the donor or acceptor splice site typically lead to a loss of protein function (PMID: 16199547), however the current clinical and genetic evidence is not sufficient to establish whether loss-of-function variants in HMCN1 cause disease. This variant is present in population databases (no rsID available, gnomAD 0.003%). This variant has not been reported in the literature in individuals affected with HMCN1-related conditions. Algorithms developed to predict the effect of sequence changes on RNA splicing suggest that this variant may disrupt the consensus splice site. In summary, the available evidence is currently insufficient to determine the role of this variant in disease. Therefore, it has been classified as a Variant of Uncertain Significance.

Literature cited by the submitters: PubMed 16199547.